The following is an entry in ClinVar:

ClinVar aggregate classification (germline): Uncertain significance. Review status: criteria provided, multiple submitters, no conflicts (2 of 4 stars). 2 submissions from 2 submitters: Uncertain significance (2). Last evaluated 2025-08-03.

Conditions:
Hereditary cancer-predisposing syndrome. Also called: Neoplastic Syndromes, Hereditary; Tumor predisposition; Hereditary Cancer Syndrome; Hereditary neoplastic syndrome. Identifiers: Orphanet 140162, MedGen C0027672, MeSH D009386, MONDO:0015356.

Allele frequency attached by ClinVar (database versions not stated): TOPMed below 0.00001.
gnomAD v4.1: 1 of 1,606,588 alleles (0.000062%); highest among the groups gnomAD compares: Non-Finnish European, 0.000085%; no homozygotes.

Submissions (2):

Labcorp Genetics (formerly Invitae), Labcorp
Classification: Uncertain significance. Last evaluated: 2025-08-03. Review status: criteria provided, single submitter. Criteria: Invitae Variant Classification Sherloc (09022015). Collection method: clinical testing. Allele origin: germline.
Comment: This sequence change replaces leucine, which is neutral and non-polar, with phenylalanine, which is neutral and non-polar, at codon 801 of the MSH3 protein (p.Leu801Phe). This variant is not present in population databases (gnomAD no frequency). This variant has not been reported in the literature in individuals affected with MSH3-related conditions. ClinVar contains an entry for this variant (Variation ID: 1001901). An algorithm developed to predict the effect of missense changes on protein structure and function (PolyPhen-2) suggests that this variant is likely to be disruptive. In summary, the available evidence is currently insufficient to determine the role of this variant in disease. Therefore, it has been classified as a Variant of Uncertain Significance.

Ambry Genetics
Classification: Uncertain significance for Hereditary cancer-predisposing syndrome. Last evaluated: 2024-05-28. Review status: criteria provided, single submitter. Criteria: Ambry Variant Classification Scheme 2023. Collection method: clinical testing. Allele origin: germline.
Comment: The p.L801F variant (also known as c.2401C>T), located in coding exon 17 of the MSH3 gene, results from a C to T substitution at nucleotide position 2401. The leucine at codon 801 is replaced by phenylalanine, an amino acid with highly similar properties. This amino acid position is conserved. In addition, the in silico prediction for this alteration is inconclusive. Since supporting evidence is limited at this time, the clinical significance of this alteration remains unclear.

NM_002439.5(MSH3):c.2401C>T (p.Leu801Phe)

Gene: MSH3 (mutS homolog 3; plus strand). Cytogenetic location: 5q14.1.
Variant type: single nucleotide variant.
Coding change: c.2401C>T on transcript NM_002439.5 (MANE Select); coding-DNA position 2401, C replaced by T.
Protein change: p.Leu801Phe; replaces leucine 801 with phenylalanine.
Molecular consequence: missense variant.
Genome position (GRCh38, 1-based): chr5:80,778,802, C>T. VCF-style: chr5-80778802-C-T. GRCh37 (hg19) VCF-style: chr5-80074621-C-T.
Other names: short protein forms L801F.
Identifiers: ClinVar variation 1001901 (VCV001001901.10), dbSNP rs917488076, ClinGen allele CA121328260.